The following is an entry in ClinVar:

NM_017739.4(POMGNT1):c.420+3G>C

Genes: POMGNT1 (protein O-linked mannose N-acetylglucosaminyltransferase 1 (beta 1,2-); minus strand), TSPAN1 (tetraspanin 1; plus strand). Cytogenetic location: 1p34.1.
Variant type: single nucleotide variant.
Coding change: c.420+3G>C on transcript NM_017739.4 (MANE Select); 3 bases into the intron after coding-DNA position 420, G replaced by C.
Molecular consequence: intron variant.
Genome position (GRCh38, 1-based): chr1:46,196,009, C>G on the plus strand (G>C on the coding strand, the complement: POMGNT1 is on the minus strand). VCF-style: chr1-46196009-C-G. GRCh37 (hg19) VCF-style: chr1-46661681-C-G.
Other names: c.420+3G>C (NM_001243766.2, NM_001438686.1, NM_001438688.1 and 3 more transcripts); c.354+3G>C (NM_001290129.3, NM_001438691.1, NM_001438692.1); c.-10+3G>C (NM_001290130.2).
Identifiers: ClinVar variation 2024984 (VCV002024984.4), dbSNP rs1352390487, ClinGen allele CA2580062993.

ClinVar aggregate classification (germline): Uncertain significance (1 of 4 stars; one submission).

Conditions:
Autosomal recessive limb-girdle muscular dystrophy type 2O. Also called: Limb-Girdle Muscular Dystrophy Type 3C; MUSCULAR DYSTROPHY-DYSTROGLYCANOPATHY (LIMB-GIRDLE), TYPE C, 3; MUSCULAR DYSTROPHY-DYSTROGLYCANOPATHY, LIMB-GIRDLE, POMGNT1-RELATED. Identifiers: Orphanet 206564, MedGen C3150417, MONDO:0013161, OMIM 613157.
Muscular dystrophy-dystroglycanopathy (congenital with impaired intellectual development), type B, 3. Also called: MUSCULAR DYSTROPHY, CONGENITAL, POMGNT1-RELATED; Muscular dystrophy-dystroglycanopathy (congenital with intellectual disability), type B3. Identifiers: MedGen C3150412, MONDO:0013155, OMIM 613151.

Submission:

Labcorp Genetics (formerly Invitae), Labcorp
Classification: Uncertain significance for Autosomal recessive limb-girdle muscular dystrophy type 2O; Muscular dystrophy-dystroglycanopathy (congenital with impaired intellectual development), type B, 3. Last evaluated: 2022-08-20. Review status: criteria provided, single submitter. Criteria: Invitae Variant Classification Sherloc (09022015). Collection method: clinical testing. Allele origin: germline.
Comment: Variants that disrupt the consensus splice site are a relatively common cause of aberrant splicing (PMID: 17576681, 9536098). Algorithms developed to predict the effect of sequence changes on RNA splicing suggest that this variant is not likely to affect RNA splicing. In summary, the available evidence is currently insufficient to determine the role of this variant in disease. Therefore, it has been classified as a Variant of Uncertain Significance. This variant has not been reported in the literature in individuals affected with POMGNT1-related conditions. This variant is not present in population databases (gnomAD no frequency). This sequence change falls in intron 5 of the POMGNT1 gene. It does not directly change the encoded amino acid sequence of the POMGNT1 protein. It affects a nucleotide within the consensus splice site.

Literature cited by the submitters: PubMed 17576681; PubMed 9536098.